The following is an entry in ClinVar:

ClinVar aggregate classification (germline): Uncertain significance (1 of 4 stars; one submission).

Submission:

Laboratory for Molecular Medicine, Mass General Brigham Personalized Medicine
Classification: Uncertain significance. Last evaluated: 2016-08-04. Review status: criteria provided, single submitter. Criteria: LMM Criteria. Collection method: clinical testing. Allele origin: germline. Observed: 1 variant allele.
Comment: The p.Asn628del variant in MYO6 has not been previously reported in individuals with hearing loss or in large population studies. This variant is a deletion of 1 amino acid at position 628 and is not predicted to alter the protein reading-f rame. It is unclear if this deletion will impact the protein function. In summar y, the clinical significance of the p.Asn628del variant is uncertain.

NM_004999.4(MYO6):c.1881CAA[1] (p.Asn628del)

Gene: MYO6 (myosin VI; plus strand). Cytogenetic location: 6q14.1.
Variant type: Microsatellite.
Coding change: c.1881CAA[1] on transcript NM_004999.4 (MANE Select); one copy of the 3-base unit CAA starting at c.1881; the reference has two copies in a row; one copy, 3 bases deleted.
Protein change: p.Asn628del; deletes asparagine 628.
Molecular consequence: inframe deletion. On other transcripts: non-coding transcript variant (1).
Genome position (GRCh38, 1-based): chr6:75,867,045-75,867,047, CAA deleted; deleting any 3 consecutive bases within chr6:75,867,040-75,867,047 gives the same sequence; the position shown is the placement nearest the transcript's 3' end. VCF-style (leftmost placement, unchanged base first): chr6-75867039-TAAC-T. GRCh37 (hg19) VCF-style: chr6-76576756-TAAC-T.
Other names: c.1881CAA[1], p.Asn628del (NM_001300899.2, NM_001368136.1, NM_001368137.1 and 2 more transcripts); c.1866CAA[1], p.Asn623del (NM_001368138.1); short protein forms N628del, N623del.
Identifiers: ClinVar variation 505227 (VCV000505227.4), dbSNP rs1233700794, ClinGen allele CA568598594.